The following is an entry in ClinVar:

NM_004183.4(BEST1):c.1625C>G (p.Thr542Arg)

Gene: BEST1 (bestrophin 1; plus strand). Cytogenetic location: 11q12.3.
Variant type: single nucleotide variant.
Coding change: c.1625C>G on transcript NM_004183.4 (MANE Select); coding-DNA position 1625, C replaced by G.
Protein change: p.Thr542Arg; replaces threonine 542 with arginine.
Molecular consequence: missense variant. On other transcripts: non-coding transcript variant (1).
Genome position (GRCh38, 1-based): chr11:61,962,779, C>G. VCF-style: chr11-61962779-C-G. GRCh37 (hg19) VCF-style: chr11-61730251-C-G.
Other names: c.*520C>G (NM_001363592.2); c.653C>G, p.Thr218Arg (NM_001363593.3); c.1445C>G, p.Thr482Arg (NM_001139443.3, NM_001300787.2); c.1364C>G, p.Thr455Arg (NM_001300786.2); c.1307C>G, p.Thr436Arg (NM_001363591.3); short protein forms T218R, T436R, T455R, T482R, T542R.
Identifiers: ClinVar variation 1715117 (VCV001715117.5), dbSNP rs543908813, ClinGen allele CA380850022.

ClinVar aggregate classification (germline): Uncertain significance (1 of 4 stars; one submission).

Submission:

Labcorp Genetics (formerly Invitae), Labcorp
Classification: Uncertain significance. Last evaluated: 2024-12-02. Review status: criteria provided, single submitter. Criteria: Invitae Variant Classification Sherloc (09022015). Collection method: clinical testing. Allele origin: germline.
Comment: This sequence change replaces threonine, which is neutral and polar, with arginine, which is basic and polar, at codon 542 of the BEST1 protein (p.Thr542Arg). This variant is not present in population databases (gnomAD no frequency). This variant has not been reported in the literature in individuals affected with BEST1-related conditions. ClinVar contains an entry for this variant (Variation ID: 1715117). Invitae Evidence Modeling of protein sequence and biophysical properties (such as structural, functional, and spatial information, amino acid conservation, physicochemical variation, residue mobility, and thermodynamic stability) has been performed for this missense variant. However, the output from this modeling did not meet the statistical confidence thresholds required to predict the impact of this variant on BEST1 protein function. In summary, the available evidence is currently insufficient to determine the role of this variant in disease. Therefore, it has been classified as a Variant of Uncertain Significance.